The following is an entry in ClinVar:

ClinVar aggregate classification (germline): Uncertain significance (1 of 4 stars; one submission).

Conditions:
Hereditary cancer-predisposing syndrome. Also called: Hereditary Cancer Syndrome; Hereditary neoplastic syndrome; Neoplastic Syndromes, Hereditary; Tumor predisposition. Identifiers: Orphanet 140162, MedGen C0027672, MeSH D009386, MONDO:0015356.

Submission:

Ambry Genetics
Classification: Uncertain significance for Hereditary cancer-predisposing syndrome. Last evaluated: 2021-10-18. Review status: criteria provided, single submitter. Criteria: Ambry Variant Classification Scheme 2023. Collection method: clinical testing. Allele origin: germline.
Comment: The p.P1479A variant (also known as c.4435C>G), located in coding exon 30 of the SMARCA4 gene, results from a C to G substitution at nucleotide position 4435. The proline at codon 1479 is replaced by alanine, an amino acid with highly similar properties. This amino acid position is highly conserved in available vertebrate species. In addition, this alteration is predicted to be tolerated by in silico analysis. Missense and in-frame variants in SMARCA4 are known to cause neurodevelopmental disorders; however, such associations with rhabdoid tumor predisposition syndrome including small cell carcinoma of the ovary-hypercalcemic type (SCCOHT) are exceedingly rare (Kosho T et al. Am J Med Genet C Semin Med Genet. 2014 Sep;166C(3):262-75; Jelinic P et al. Nat Genet. 2014 May;46(5):424-6). Based on the supporting evidence, the association of this alteration with Coffin-Siris syndrome is unknown; however, the association of this alteration with rhabdoid tumor predisposition syndrome is unlikely.

NM_003072.5(SMARCA4):c.4339C>G (p.Pro1447Ala)

Gene: SMARCA4 (SWI/SNF related BAF chromatin remodeling complex subunit ATPase 4; plus strand). Cytogenetic location: 19p13.2.
Variant type: single nucleotide variant.
Coding change: c.4339C>G on transcript NM_003072.5 (MANE Select); coding-DNA position 4339, C replaced by G.
Protein change: p.Pro1447Ala; replaces proline 1447 with alanine.
Molecular consequence: missense variant. On other transcripts: non-coding transcript variant (1).
Genome position (GRCh38, 1-based): chr19:11,041,475, C>G. VCF-style: chr19-11041475-C-G. GRCh37 (hg19) VCF-style: chr19-11152151-C-G.
Other names: c.4339C>G, p.Pro1447Ala (NM_001128844.3); c.4249C>G, p.Pro1417Ala (NM_001128845.2, NM_001128846.2); c.4240C>G, p.Pro1414Ala (NM_001128847.4, NM_001128848.2, NM_001374457.1); c.4435C>G, p.Pro1479Ala (NM_001128849.3, NM_001387283.1); c.4336C>G, p.Pro1446Ala (NM_001411150.1); short protein forms P1414A, P1446A, P1447A, P1479A, P1417A.
Identifiers: ClinVar variation 1740582 (VCV001740582.2), dbSNP rs2146820122, ClinGen allele CA404073913.